The following is an entry in ClinVar:

NM_005535.3(IL12RB1):c.1135G>A (p.Gly379Ser)

Gene: IL12RB1 (interleukin 12 receptor subunit beta 1; minus strand). Cytogenetic location: 19p13.11.
Variant type: single nucleotide variant.
Coding change: c.1135G>A on transcript NM_005535.3 (MANE Select); coding-DNA position 1135, G replaced by A.
Protein change: p.Gly379Ser; replaces glycine 379 with serine.
Molecular consequence: missense variant.
Genome position (GRCh38, 1-based): chr19:18,069,600, C>T on the plus strand (G>A on the coding strand, the complement: IL12RB1 is on the minus strand). VCF-style: chr19-18069600-C-T. GRCh37 (hg19) VCF-style: chr19-18180410-C-T.
Other names: c.1135G>A, p.Gly379Ser (NM_001290023.2); c.1255G>A, p.Gly419Ser (NM_001290024.2); short protein forms G419S, G379S.
Identifiers: ClinVar variation 1504455 (VCV001504455.8), dbSNP rs1201099204, ClinGen allele CA404778619.

ClinVar aggregate classification (germline): Uncertain significance (1 of 4 stars; one submission).

Conditions:
Mendelian susceptibility to mycobacterial diseases due to complete IL12RB1 deficiency. Also called: IL12RB1 DEFICIENCY; Immunodeficiency 30. Identifiers: Orphanet 319552, MedGen C4013949, MONDO:0013955, OMIM 614891.

Allele frequency attached by ClinVar (database versions not stated): gnomAD exomes below 0.00001 and 0.00001.
gnomAD v4.1: 2 of 1,612,864 alleles (0.00012%); highest among the groups gnomAD compares: Admixed American, 0.0033%; no homozygotes.

Submission:

Labcorp Genetics (formerly Invitae), Labcorp
Classification: Uncertain significance for Mendelian susceptibility to mycobacterial diseases due to complete IL12RB1 deficiency. Last evaluated: 2022-07-05. Review status: criteria provided, single submitter. Criteria: Invitae Variant Classification Sherloc (09022015). Collection method: clinical testing. Allele origin: germline.
Comment: ClinVar contains an entry for this variant (Variation ID: 1504455). Algorithms developed to predict the effect of missense changes on protein structure and function output the following: SIFT: "Tolerated"; PolyPhen-2: "Benign"; Align-GVGD: "Class C0". The serine amino acid residue is found in multiple mammalian species, which suggests that this missense change does not adversely affect protein function. In summary, the available evidence is currently insufficient to determine the role of this variant in disease. Therefore, it has been classified as a Variant of Uncertain Significance. This variant has not been reported in the literature in individuals affected with IL12RB1-related conditions. The frequency data for this variant in the population databases is considered unreliable, as metrics indicate poor data quality at this position in the gnomAD database. This sequence change replaces glycine, which is neutral and non-polar, with serine, which is neutral and polar, at codon 379 of the IL12RB1 protein (p.Gly379Ser).